The following is an entry in ClinVar:

ClinVar aggregate classification (germline): Conflicting classifications of pathogenicity. Review status: criteria provided, conflicting classifications (1 of 4 stars). 2 submissions from 2 submitters: Likely pathogenic (1); Uncertain significance (1). Last evaluated 2023-04-26.

Allele frequency attached by ClinVar (database versions not stated): TOPMed below 0.00001; ExAC 0.00001; gnomAD 0.00001; gnomAD exomes 0.00002.
gnomAD v4.1: 37 of 1,614,064 alleles (0.0023%); highest among the groups gnomAD compares: Non-Finnish European, 0.0028%; no homozygotes.

Submissions (2):

Labcorp Genetics (formerly Invitae), Labcorp
Classification: Likely pathogenic. Last evaluated: 2023-04-26. Review status: criteria provided, single submitter. Criteria: Invitae Variant Classification Sherloc (09022015). Collection method: clinical testing. Allele origin: germline.
Comment: In summary, the currently available evidence indicates that the variant is pathogenic, but additional data are needed to prove that conclusively. Therefore, this variant has been classified as Likely Pathogenic. This variant disrupts the p.Arg1193 amino acid residue in CPLANE1. Other variant(s) that disrupt this residue have been determined to be pathogenic (PMID: 24091540, 24178751, 28431631). This suggests that this residue is clinically significant, and that variants that disrupt this residue are likely to be disease-causing. Advanced modeling of protein sequence and biophysical properties (such as structural, functional, and spatial information, amino acid conservation, physicochemical variation, residue mobility, and thermodynamic stability) performed at Invitae indicates that this missense variant is expected to disrupt CPLANE1 protein function. ClinVar contains an entry for this variant (Variation ID: 2150537). This variant has not been reported in the literature in individuals affected with CPLANE1-related conditions. This variant is present in population databases (rs751692515, gnomAD 0.002%). This sequence change replaces arginine, which is basic and polar, with histidine, which is basic and polar, at codon 1193 of the CPLANE1 protein (p.Arg1193His).

Blueprint Genetics
Classification: Uncertain significance. Last evaluated: 2018-10-24. Review status: criteria provided, single submitter. Criteria: ACMG Guidelines, 2015. Collection method: clinical testing. Allele origin: germline.

Literature cited by the submitters: PubMed 24091540 (cited by Labcorp Genetics (formerly Invitae), Labcorp); PubMed 24178751 (cited by Labcorp Genetics (formerly Invitae), Labcorp); PubMed 28431631 (cited by Labcorp Genetics (formerly Invitae), Labcorp).

NM_001384732.1(CPLANE1):c.3578G>A (p.Arg1193His)

Gene: CPLANE1 (ciliogenesis and planar polarity effector complex subunit 1; minus strand). Cytogenetic location: 5p13.2.
Variant type: single nucleotide variant.
Coding change: c.3578G>A on transcript NM_001384732.1 (MANE Select); coding-DNA position 3578, G replaced by A.
Protein change: p.Arg1193His; replaces arginine 1193 with histidine.
Molecular consequence: missense variant.
Genome position (GRCh38, 1-based): chr5:37,198,796, C>T on the plus strand (G>A on the coding strand, the complement: CPLANE1 is on the minus strand). VCF-style: chr5-37198796-C-T. GRCh37 (hg19) VCF-style: chr5-37198898-C-T.
Other names: c.3578G>A, p.Arg1193His (NM_023073.4); short protein forms R1193H.
Identifiers: ClinVar variation 2150537 (VCV002150537.3), dbSNP rs751692515, ClinGen allele CA3238909.